The following is an entry in ClinVar:

NM_003486.7(SLC7A5):c.607G>A (p.Ala203Thr)

Gene: SLC7A5 (solute carrier family 7 member 5; minus strand). Cytogenetic location: 16q24.2.
Variant type: single nucleotide variant.
Coding change: c.607G>A on transcript NM_003486.7 (MANE Select); coding-DNA position 607, G replaced by A.
Protein change: p.Ala203Thr; replaces alanine 203 with threonine.
Molecular consequence: missense variant.
Genome position (GRCh38, 1-based): chr16:87,851,781, C>T on the plus strand (G>A on the coding strand, the complement: SLC7A5 is on the minus strand). VCF-style: chr16-87851781-C-T. GRCh37 (hg19) VCF-style: chr16-87885387-C-T.
Other names: short protein forms A203T.
Identifiers: ClinVar variation 2646964 (VCV002646964.24), dbSNP rs151257488, ClinGen allele CA8223012.

ClinVar aggregate classification (germline): Likely benign (1 of 4 stars; one submission).

Allele frequency attached by ClinVar (database versions not stated): 1000 Genomes Project 30x 0.00094; 1000 Genomes Project 0.00100; ExAC 0.00103; TOPMed 0.00137; ESP Exome Variant Server 0.00169.
gnomAD v4.1: 3,004 of 1,613,152 alleles (0.19%); highest among the groups gnomAD compares: Non-Finnish European, 0.22%; 9 homozygotes.

Submission:

CeGaT Center for Human Genetics Tuebingen
Classification: Likely benign. Last evaluated: 2023-07-01. Review status: criteria provided, single submitter. Criteria: CeGaT Center For Human Genetics Tuebingen Variant Classification Criteria Version 2. Collection method: clinical testing. Allele origin: germline. Affected: yes. Observed: 1 variant allele.
Comment: SLC7A5: PP3, BS2